The following is an entry in ClinVar:

NM_000054.7(AVPR2):c.311G>A (p.Arg104His)

Gene: AVPR2 (arginine vasopressin receptor 2; plus strand). Cytogenetic location: Xq28.
Variant type: single nucleotide variant.
Coding change: c.311G>A on transcript NM_000054.7 (MANE Select); coding-DNA position 311, G replaced by A.
Protein change: p.Arg104His; replaces arginine 104 with histidine.
Molecular consequence: missense variant.
Genome position (GRCh38, 1-based): chrX:153,905,817, G>A. VCF-style: chrX-153905817-G-A. GRCh37 (hg19) VCF-style: chrX-153171271-G-A.
Other names: c.311G>A, p.Arg104His (NM_001146151.3); short protein forms R104H.
Identifiers: ClinVar variation 913723 (VCV000913723.4), dbSNP rs373990379, ClinGen allele CA10554986.

ClinVar aggregate classification (germline): Benign (1 of 4 stars; one submission).

Conditions:
Diabetes insipidus, nephrogenic, X-linked. Also called: Nephrogenic Diabetes Insipidus, Type I. Identifiers: Orphanet 223, MedGen C1563705, MONDO:0010581, OMIM 304800.

Allele frequency attached by ClinVar (database versions not stated): gnomAD exomes 0.00004 and 0.00018; ExAC 0.00009; gnomAD 0.00009; TOPMed 0.00012; ESP Exome Variant Server 0.00019.
gnomAD v4.1: 202 of 1,205,972 alleles (0.017%); highest among the groups gnomAD compares: Non-Finnish European, 0.02%; no homozygotes.

Submission:

Illumina Laboratory Services, Illumina
Classification: Benign for Diabetes insipidus, nephrogenic, X-linked. Last evaluated: 2018-01-13. Review status: criteria provided, single submitter. Criteria: ICSL Variant Classification Criteria 13 December 2019. Collection method: clinical testing. Allele origin: germline.
Comment: This variant was observed in the ICSL laboratory as part of a predisposition screen in an ostensibly healthy population. It had not been previously curated by ICSL or reported in the Human Gene Mutation Database (HGMD: prior to June 1st, 2018), and was therefore a candidate for classification through an automated scoring system. Utilizing variant allele frequency, disease prevalence and penetrance estimates, and inheritance mode, an automated score was calculated to assess if this variant is too frequent to cause the disease. Based on the score and internal cut-off values, a variant classified as benign is not then subjected to further curation. The score for this variant resulted in a classification of benign for this disease.